The following is an entry in ClinVar:

NM_003611.3(OFD1):c.1795G>A (p.Val599Ile)

Gene: OFD1 (OFD1 centriole and centriolar satellite protein; plus strand). Cytogenetic location: Xp22.2.
Variant type: single nucleotide variant.
Coding change: c.1795G>A on transcript NM_003611.3 (MANE Select); coding-DNA position 1795, G replaced by A.
Protein change: p.Val599Ile; replaces valine 599 with isoleucine.
Molecular consequence: missense variant.
Genome position (GRCh38, 1-based): chrX:13,760,255, G>A. VCF-style: chrX-13760255-G-A. GRCh37 (hg19) VCF-style: chrX-13778374-G-A.
Other names: c.1675G>A, p.Val559Ile (NM_001330209.2); c.1375G>A, p.Val459Ile (NM_001330210.2); short protein forms V459I, V559I, V599I.
Identifiers: ClinVar variation 2162378 (VCV002162378.28), dbSNP rs1347246610, ClinGen allele CA412343848.

ClinVar aggregate classification (germline): Uncertain significance. Review status: criteria provided, multiple submitters, no conflicts (2 of 4 stars). 2 submissions from 2 submitters: Uncertain significance (2). Last evaluated 2022-10-01.

Conditions:
Joubert syndrome. Also called: Familial aplasia of the vermis; JOUBERT-BOLTSHAUSER SYNDROME. Identifiers: Orphanet 475, MedGen C5979921, MONDO:0018772.
Orofaciodigital syndrome I (OFD1). Also called: OFDS I; Oral-Facial-Digital Syndrome Type I; Papillon-Leage and Psaume Syndrome. Identifiers: Orphanet 2750, MedGen C1510460, MONDO:0010702, OMIM 311200.

Allele frequency attached by ClinVar (database versions not stated): gnomAD exomes below 0.00001; TOPMed 0.00001.
gnomAD v4.1: 3 of 1,211,648 alleles (0.00025%); highest among the groups gnomAD compares: East Asian, 0.003%; no homozygotes.

Submissions (2):

CeGaT Center for Human Genetics Tuebingen
Classification: Uncertain significance. Last evaluated: 2022-10-01. Review status: criteria provided, single submitter. Criteria: CeGaT Center For Human Genetics Tuebingen Variant Classification Criteria Version 2. Collection method: clinical testing. Allele origin: germline. Affected: yes. Observed: 1 variant allele.

Labcorp Genetics (formerly Invitae), Labcorp
Classification: Uncertain significance for Orofaciodigital syndrome I; Joubert syndrome. Last evaluated: 2022-07-12. Review status: criteria provided, single submitter. Criteria: Invitae Variant Classification Sherloc (09022015). Collection method: clinical testing. Allele origin: germline.
Comment: In summary, the available evidence is currently insufficient to determine the role of this variant in disease. Therefore, it has been classified as a Variant of Uncertain Significance. Algorithms developed to predict the effect of missense changes on protein structure and function output the following: SIFT: "Tolerated"; PolyPhen-2: "Benign"; Align-GVGD: "Class C0". The isoleucine amino acid residue is found in multiple mammalian species, which suggests that this missense change does not adversely affect protein function. This variant has not been reported in the literature in individuals affected with OFD1-related conditions. This variant is present in population databases (no rsID available, gnomAD 0.004%). This sequence change replaces valine, which is neutral and non-polar, with isoleucine, which is neutral and non-polar, at codon 599 of the OFD1 protein (p.Val599Ile).